The following is an entry in ClinVar:

ClinVar aggregate classification (germline): Likely benign. Review status: criteria provided, multiple submitters, no conflicts (2 of 4 stars). 2 submissions from 2 submitters: Likely benign (2). Last evaluated 2023-08-04.

Conditions:
Dextro-looped transposition of the great arteries. Also called: Dextrotransposition of the great arteries. Identifiers: Orphanet 860, MedGen C3531771, MONDO:0019443, OMIM 608808, HP:0031348.

Allele frequency attached by ClinVar (database versions not stated): gnomAD 0.00001; TOPMed 0.00001; gnomAD exomes 0.00002 and 0.00004; ExAC 0.00004; ESP Exome Variant Server 0.00008.
gnomAD v4.1: 31 of 1,613,956 alleles (0.0019%); highest among the groups gnomAD compares: Middle Eastern, 0.017%; no homozygotes.

Submissions (2):

Labcorp Genetics (formerly Invitae), Labcorp
Classification: Likely benign for Dextro-looped transposition of the great arteries. Last evaluated: 2023-08-04. Review status: criteria provided, single submitter. Criteria: Invitae Variant Classification Sherloc (09022015). Collection method: clinical testing. Allele origin: germline.

CeGaT Center for Human Genetics Tuebingen
Classification: Likely benign. Last evaluated: 2023-07-01. Review status: criteria provided, single submitter. Criteria: CeGaT Center For Human Genetics Tuebingen Variant Classification Criteria Version 2. Collection method: clinical testing. Allele origin: germline. Affected: yes. Observed: 1 variant allele.
Comment: MED13L: BP4, BP7

NM_015335.5(MED13L):c.879G>A (p.Pro293=)

Gene: MED13L (mediator complex subunit 13L; minus strand). Cytogenetic location: 12q24.21.
Variant type: single nucleotide variant.
Coding change: c.879G>A on transcript NM_015335.5 (MANE Select); coding-DNA position 879, G replaced by A.
Protein change: p.Pro293=; no amino-acid change (proline 293 retained).
Molecular consequence: synonymous variant.
Genome position (GRCh38, 1-based): chr12:116,019,354, C>T on the plus strand (G>A on the coding strand, the complement: MED13L is on the minus strand). VCF-style: chr12-116019354-C-T. GRCh37 (hg19) VCF-style: chr12-116457159-C-T.
Identifiers: ClinVar variation 1598335 (VCV001598335.32), dbSNP rs140586744, ClinGen allele CA6811553.